The following is an entry in ClinVar:

NM_000038.6(APC):c.57G>A (p.Glu19=)

Gene: APC (APC regulator of Wnt signaling pathway; plus strand). Cytogenetic location: 5q22.2.
Variant type: single nucleotide variant.
Coding change: c.57G>A on transcript NM_000038.6 (MANE Select); coding-DNA position 57, G replaced by A.
Protein change: p.Glu19=; no amino-acid change (glutamic acid 19 retained).
Molecular consequence: synonymous variant. On other transcripts: 5 prime UTR variant (4), non-coding transcript variant (2), intron variant (11).
Genome position (GRCh38, 1-based): chr5:112,754,947, G>A. VCF-style: chr5-112754947-G-A. GRCh37 (hg19) VCF-style: chr5-112090644-G-A.
Other names: c.57G>A, p.Glu19= (NM_001127510.3, NM_001354895.2, NM_001354896.2 and 16 more transcripts); c.-979G>A (NM_001354906.2, NM_001407470.1, NM_001407471.1 and 1 more transcripts); c.166-11379G>A (NM_001407446.1, NM_001354897.2, NM_001354902.2 and 1 more transcripts); c.-42-11379G>A (NM_001407453.1, NM_001354900.2, NM_001354901.2 and 1 more transcripts); c.61-11379G>A (NM_001407451.1, NM_001354898.2, NM_001354904.2).
Identifiers: ClinVar variation 1749761 (VCV001749761.4), dbSNP rs1754787495, ClinGen allele CA445752416.

ClinVar aggregate classification (germline): Benign/Likely benign. Review status: criteria provided, multiple submitters, no conflicts (2 of 4 stars). 3 submissions from 3 submitters: Benign (1); Likely benign (2). Last evaluated 2024-02-25.

Conditions:
Hereditary cancer-predisposing syndrome. Also called: Hereditary Cancer Syndrome; Hereditary neoplastic syndrome; Neoplastic Syndromes, Hereditary; Tumor predisposition. Identifiers: Orphanet 140162, MedGen C0027672, MeSH D009386, MONDO:0015356.
Familial adenomatous polyposis 1 (FAP1). Also called: FAMILIAL ADENOMATOUS POLYPOSIS 1, ATTENUATED; POLYPOSIS, ADENOMATOUS INTESTINAL. Identifiers: MedGen C2713442, MONDO:0021056, OMIM 175100. Disease mechanism: loss of function.

Submissions (3):

Labcorp Genetics (formerly Invitae), Labcorp
Classification: Likely benign for Familial adenomatous polyposis 1. Last evaluated: 2024-02-25. Review status: criteria provided, single submitter. Criteria: Invitae Variant Classification Sherloc (09022015). Collection method: clinical testing. Allele origin: germline.

Myriad Genetics, Inc.
Classification: Benign for Familial adenomatous polyposis 1. Last evaluated: 2024-02-22. Review status: criteria provided, single submitter. Criteria: Myriad Autosomal Dominant, Autosomal Recessive and X-Linked Classification Criteria (2023). Collection method: clinical testing. Allele origin: unknown.
Comment: This variant is considered benign. This variant is a silent/synonymous amino acid change and it is not expected to impact splicing.

Ambry Genetics
Classification: Likely benign for Hereditary cancer-predisposing syndrome. Last evaluated: 2020-05-25. Review status: criteria provided, single submitter. Criteria: Ambry Variant Classification Scheme 2023. Collection method: clinical testing. Allele origin: germline.